The following is an entry in ClinVar:

NM_004006.3(DMD):c.4162T>G (p.Phe1388Val)

Gene: DMD (dystrophin; minus strand). Cytogenetic location: Xp21.1.
Variant type: single nucleotide variant.
Coding change: c.4162T>G on transcript NM_004006.3 (MANE Select); coding-DNA position 4162, T replaced by G.
Protein change: p.Phe1388Val; replaces phenylalanine 1388 with valine.
Molecular consequence: missense variant.
Genome position (GRCh38, 1-based): chrX:32,411,823, A>C on the plus strand (T>G on the coding strand, the complement: DMD is on the minus strand). VCF-style: chrX-32411823-A-C. GRCh37 (hg19) VCF-style: chrX-32429940-A-C.
Other names: p.F1388V:TTC>GTC; c.4138T>G, p.Phe1380Val (NM_000109.4); c.4150T>G, p.Phe1384Val (NM_004009.3); c.3793T>G, p.Phe1265Val (NM_004010.3); c.139T>G, p.Phe47Val (NM_004011.4); c.130T>G, p.Phe44Val (NM_004012.4); short protein forms F1388V, F1384V, F1265V, F1380V, F47V, F44V.
Identifiers: ClinVar variation 94615 (VCV000094615.43), dbSNP rs28715870, ClinGen allele CA285569.

ClinVar aggregate classification (germline): Benign. Review status: criteria provided, multiple submitters, no conflicts (2 of 4 stars). 17 submissions from 17 submitters: Benign (14). 3 of the submissions do not count toward it. Last evaluated 2026-02-04.

Conditions:
Cardiovascular phenotype. Identifiers: MedGen CN230736.
Dystrophin deficiency.
Becker muscular dystrophy (BMD). Also called: MUSCULAR DYSTROPHY, PSEUDOHYPERTROPHIC PROGRESSIVE, BECKER TYPE; Becker Muscular Dystrophy (BMD). Identifiers: Orphanet 98895, MedGen C0917713, MONDO:0010311, OMIM 300376.
Cardiomyopathy (CMYO). Also called: Cardiomyopathies. Identifiers: Orphanet 167848, MedGen C0878544, MONDO:0004994, HP:0001638. Inheritance: Various modes of inheritance.
Duchenne muscular dystrophy (DMD). Also called: Duchenne Muscular Dystrophy (DMD); MUSCULAR DYSTROPHY, PSEUDOHYPERTROPHIC PROGRESSIVE, DUCHENNE TYPE. Identifiers: Orphanet 98896, MedGen C0013264, MONDO:0010679, OMIM 310200.
Dilated cardiomyopathy 3B (CMD3B). Also called: CMD3B: DMD-Related Dilated Cardiomyopathy; CARDIOMYOPATHY, DILATED, X-LINKED; DMD-Associated Dilated Cardiomyopathy. Identifiers: Orphanet 154, MedGen C3668940, MONDO:0010542, OMIM 302045.

Allele frequency attached by ClinVar (database versions not stated): gnomAD exomes 0.00269; 1000 Genomes Project 30x 0.02872; ESP Exome Variant Server 0.03305; gnomAD 0.02748; 1000 Genomes Project 0.02808; TOPMed 0.02920.
gnomAD v4.1: 6,017 of 1,208,952 alleles (0.5%); highest among the groups gnomAD compares: African/African-American, 8.6%; 158 homozygotes.

Submissions (17):

Labcorp Genetics (formerly Invitae), Labcorp
Classification: Benign for Duchenne muscular dystrophy. Last evaluated: 2026-02-04. Review status: criteria provided, single submitter. Criteria: Invitae Variant Classification Sherloc (09022015). Collection method: clinical testing. Allele origin: germline.

Molecular Diagnostic Laboratory for Inherited Cardiovascular Disease, Montreal Heart Institute
Classification: Benign. Last evaluated: 2025-07-24. Review status: criteria provided, single submitter. Criteria: ACMG Guidelines, 2015. Collection method: clinical testing. Allele origin: germline. Affected: no.

ARUP Laboratories, Molecular Genetics and Genomics, ARUP Laboratories
Classification: Benign. Last evaluated: 2025-05-20. Review status: criteria provided, single submitter. Criteria: ARUP Molecular Germline Variant Investigation Process 2024. Collection method: clinical testing. Allele origin: germline.

Athena Diagnostics
Classification: Benign. Last evaluated: 2025-03-13. Review status: criteria provided, single submitter. Criteria: Athena Diagnostics Criteria. Collection method: clinical testing. Allele origin: unknown.
Comment: The frequency of this variant in the general population is higher than would generally be expected for pathogenic variants in this gene.

Mayo Clinic Laboratories, Mayo Clinic
Classification: Benign. Last evaluated: 2023-11-12. Review status: criteria provided, single submitter. Criteria: ACMG Guidelines, 2015. Collection method: clinical testing. Allele origin: germline. Observed: 31 variant alleles.

Women's Health and Genetics/Laboratory Corporation of America, LabCorp
Classification: Benign. Last evaluated: 2020-03-30. Review status: criteria provided, single submitter. Criteria: LabCorp Variant Classification Summary - May 2015. Collection method: clinical testing. Allele origin: germline.
Comment: Variant summary: DMD c.4162T>G (p.Phe1388Val) results in a non-conservative amino acid change in the encoded protein sequence. Four of five in-silico tools predict a benign effect of the variant on protein function. The variant allele was found at a frequency of 0.0077 in 182914 control chromosomes in the gnomAD database, including 33 homozygotes and 364 hemizygotes. The observed variant frequency is approximately 695 fold of the estimated maximal expected allele frequency for a pathogenic variant in DMD causing Dystrophinopathies phenotype (1.1e-05), strongly suggesting that the variant is benign. Seven clinical diagnostic laboratories have submitted clinical-significance assessments for this variant to ClinVar after 2014 without evidence for independent evaluation. All laboratories classified the variant as benign/likely benign. Based on the evidence outlined above, the variant was classified as benign.

Illumina Laboratory Services, Illumina
Classification: Benign for Dilated cardiomyopathy 3B. Last evaluated: 2018-01-12. Review status: criteria provided, single submitter. Criteria: ICSL Variant Classification Criteria 13 December 2019. Collection method: clinical testing. Allele origin: germline.
Comment: This variant was observed in the ICSL laboratory as part of a predisposition screen in an ostensibly healthy population. It had not been previously curated by ICSL or reported in the Human Gene Mutation Database (HGMD: prior to June 1st, 2018), and was therefore a candidate for classification through an automated scoring system. Utilizing variant allele frequency, disease prevalence and penetrance estimates, and inheritance mode, an automated score was calculated to assess if this variant is too frequent to cause the disease. Based on the score and internal cut-off values, a variant classified as benign is not then subjected to further curation. The score for this variant resulted in a classification of benign for this disease.

Ambry Genetics
Classification: Benign for Cardiovascular phenotype. Last evaluated: 2016-02-15. Review status: criteria provided, single submitter. Criteria: Ambry Variant Classification Scheme 2023. Collection method: clinical testing. Allele origin: germline.

Eurofins Ntd Llc (ga)
Classification: Benign. Last evaluated: 2016-01-25. Review status: criteria provided, single submitter. Criteria: EGL Classification Definitions 2015. Collection method: clinical testing. Allele origin: germline. Observed: 9 variant alleles, 2 heterozygotes, 7 hemizygotes.

Center for Pediatric Genomic Medicine, Children's Mercy Hospital and Clinics
Classification: Benign. Last evaluated: 2015-06-04. Review status: criteria provided, single submitter. Criteria: ACMG Guidelines, 2015. Collection method: clinical testing. Allele origin: germline.

Laboratory for Molecular Medicine, Mass General Brigham Personalized Medicine
Classification: Benign. Last evaluated: 2015-01-13. Review status: criteria provided, single submitter. Criteria: LMM Criteria. Collection method: clinical testing. Allele origin: germline. Observed: 16 variant alleles.
Comment: p.Phe1388Val in exon 30 of DMD: This variant is not expected to have clinical si gnificance because it has been identified in 9% (345/3833) of African American c hromosomes by the NHLBI Exome Sequencing Project (VS/; dbSNP rs28715870).

GeneDx
Classification: Benign. Last evaluated: 2014-01-09. Review status: criteria provided, single submitter. Criteria: GeneDx Variant Classification (06012015). Collection method: clinical testing. Allele origin: germline. Affected: yes.
Comment: This variant is considered likely benign or benign based on one or more of the following criteria: it is a conservative change, it occurs at a poorly conserved position in the protein, it is predicted to be benign by multiple in silico algorithms, and/or has population frequency not consistent with disease.

Breakthrough Genomics
Classification: Benign. Review status: criteria provided, single submitter. Criteria: ACMG Guidelines, 2015. Collection method: not provided. Allele origin: germline. Inheritance: X-linked inheritance. Affected: yes.

PreventionGenetics, part of Exact Sciences
Classification: Benign. Review status: criteria provided, single submitter. Criteria: ACMG Guidelines, 2015. Collection method: clinical testing. Allele origin: germline.

Natera, Inc.
Classification: Benign for Becker muscular dystrophy; Cardiomyopathy; Duchenne muscular dystrophy; Dystrophin deficiency. Last evaluated: 2017-04-21. Review status: no assertion criteria provided. Collection method: clinical testing. Allele origin: germline. Not counted in ClinVar's aggregate classification.

Diagnostic Laboratory, Department of Genetics, University Medical Center Groningen
Classification: Benign. Review status: no assertion criteria provided. Collection method: clinical testing. Allele origin: germline. Affected: yes. Study: VKGL Data-share Consensus. Not counted in ClinVar's aggregate classification.

Laboratory of Diagnostic Genome Analysis, Leiden University Medical Center (LUMC)
Classification: Benign. Review status: no assertion criteria provided. Collection method: clinical testing. Allele origin: germline. Affected: yes. Study: VKGL Data-share Consensus. Not counted in ClinVar's aggregate classification.

Literature cited by the submitters: PubMed 12354438 (cited by Athena Diagnostics).